The following is an entry in ClinVar:

NM_139343.3(BIN1):c.1439C>A (p.Thr480Lys)

Gene: BIN1 (bridging integrator 1; minus strand). Cytogenetic location: 2q14.3.
Variant type: single nucleotide variant.
Coding change: c.1439C>A on transcript NM_139343.3 (MANE Select); coding-DNA position 1439, C replaced by A.
Protein change: p.Thr480Lys; replaces threonine 480 with lysine.
Molecular consequence: missense variant. On other transcripts: intron variant (3).
Genome position (GRCh38, 1-based): chr2:127,051,176, G>T on the plus strand (C>A on the coding strand, the complement: BIN1 is on the minus strand). VCF-style: chr2-127051176-G-T. GRCh37 (hg19) VCF-style: chr2-127808752-G-T.
Other names: c.1070C>A, p.Thr357Lys (NM_001320633.2); c.1199C>A, p.Thr400Lys (NM_001320640.2); c.1346C>A, p.Thr449Lys (NM_001320641.2); c.1358C>A, p.Thr453Lys (NM_001320642.1); c.1022C>A, p.Thr341Lys (NM_004305.4); c.1310C>A, p.Thr437Lys (NM_139344.3); c.1178C>A, p.Thr393Lys (NM_139345.3); c.1151C>A, p.Thr384Lys (NM_139346.3); and 7 more; short protein forms T341K, T357K, T369K, T437K, T393K, T400K, T449K, T453K.
Identifiers: ClinVar variation 2188809 (VCV002188809.4), dbSNP rs780918654, ClinGen allele CA348375537.
Genomic context (GRCh38, chr2:127,051,176, plus strand): 5'-AGGGAGGAAAAGGCAGGGCTTTGTCCCTGCTGTCTTACGGAGGCTGCTTCACTTGCCGCC[G>T]TCTCCCCTGGCTCCTGGGCTCCAGCCGCAGGTTGGGTCCCACCCGCCACCTCCGAGGCCT-3'
Protein context (NP_647593.1, residues 470-490): PAAGAQEPGE[Thr480Lys]AASEAASSSL

ClinVar aggregate classification (germline): Uncertain significance (1 of 4 stars; one submission).

Conditions:
Myopathy, centronuclear, 2 (CNM2). Also called: MYOTUBULAR MYOPATHY, AUTOSOMAL RECESSIVE. Identifiers: Orphanet 169186, MedGen CN031787, MONDO:0009709, OMIM 255200.

gnomAD v4.1: 6 of 1,613,396 alleles (0.00037%); highest among the groups gnomAD compares: Non-Finnish European, 0.00051%; no homozygotes.

Submission:

Labcorp Genetics (formerly Invitae), Labcorp
Classification: Uncertain significance for Myopathy, centronuclear, 2. Last evaluated: 2022-03-27. Review status: criteria provided, single submitter. Criteria: Invitae Variant Classification Sherloc (09022015). Collection method: clinical testing. Allele origin: germline.
Comment: In summary, the available evidence is currently insufficient to determine the role of this variant in disease. Therefore, it has been classified as a Variant of Uncertain Significance. Algorithms developed to predict the effect of missense changes on protein structure and function (SIFT, PolyPhen-2, Align-GVGD) all suggest that this variant is likely to be tolerated. This variant has not been reported in the literature in individuals affected with BIN1-related conditions. This variant is not present in population databases (gnomAD no frequency). This sequence change replaces threonine, which is neutral and polar, with lysine, which is basic and polar, at codon 480 of the BIN1 protein (p.Thr480Lys).